The following is an entry in ClinVar:

NM_001267550.2(TTN):c.72658del (p.Tyr24220fs)

Genes: TTN (titin; minus strand), TTN-AS1 (TTN antisense RNA 1; plus strand). Cytogenetic location: 2q31.2.
Variant type: Deletion.
Coding change: c.72658del on transcript NM_001267550.2 (MANE Select); coding-DNA position 72658, one base deleted (T; older notation c.72658delT).
Protein change: p.Tyr24220fs; shifts the reading frame from tyrosine 24220.
Molecular consequence: frameshift variant.
Genome position (GRCh38, 1-based): chr2:178,573,474, A deleted on the plus strand (T on the coding strand, the reverse complement: TTN is on the minus strand); the first of 2 consecutive A bases (chr2:178,573,474-178,573,475); deleting either gives the same sequence. VCF-style (leftmost placement, unchanged base first): chr2-178573473-TA-T. GRCh37 (hg19) VCF-style: chr2-179438200-TA-T.
Other names: c.67735del, p.Tyr22579fs (NM_001256850.1); c.45463del, p.Tyr15155fs (NM_003319.4); c.64954del, p.Tyr21652fs (NM_133378.4); c.45838del, p.Tyr15280fs (NM_133432.3); c.46039del, p.Tyr15347fs (NM_133437.4); short protein forms Y15155fs, Y15280fs, Y15347fs, Y21652fs, Y22579fs, Y24220fs.
Identifiers: ClinVar variation 4879676 (VCV004879676.1).

ClinVar aggregate classification (germline): Likely pathogenic (1 of 4 stars; one submission).

Conditions:
Dilated cardiomyopathy 1G (CMD1G). Identifiers: Orphanet 154, MedGen C1858763, MONDO:0011400, OMIM 604145.

Submission:

Victorian Clinical Genetics Services, Murdoch Childrens Research Institute
Classification: Likely pathogenic for Dilated cardiomyopathy 1G. Last evaluated: 2026-06-01. Review status: criteria provided, single submitter. Criteria: ACMG Guidelines, 2015. Collection method: clinical testing. Allele origin: germline.
Comment: This variant is classified as Likely pathogenic. Evidence in support of pathogenic classification: Variant is predicted to cause nonsense-mediated decay (NMD) and loss of protein (premature termination codon is located at least 54 nucleotides upstream of the final exon-exon junction); Variant is absent from gnomAD (v2, v3 and v4); Other NMD-predicted variant(s) comparable to the one identified in this case have strong previous evidence for pathogenicity (ClinVar). Additional information: This variant is heterozygous; This gene is associated with both recessive and dominant disease (OMIM); This variant has no previous evidence of pathogenicity; No published segregation evidence has been identified for this variant; No published functional evidence has been identified for this variant; Variant is located in the annotated A-band and the exon has a PSI score of 100% (PMID: 25589632); Loss of function is known mechanism of disease in this gene. In addition, dominant-negative is also a suggested mechanism (PMID: 25589632); The condition associated with this gene has incomplete penetrance. Variants in this gene that result in a premature truncating codon (PTC) are known to have reduced penetrance in DCM (PMID: 25589632); Inheritance information for this variant is not currently available in this individual.

Literature cited by the submitters: PubMed 25589632.